The following is an entry in ClinVar:

NM_032380.5(GFM2):c.830G>A (p.Arg277Lys)

Gene: GFM2 (GTP dependent ribosome recycling factor mitochondrial 2; minus strand). Cytogenetic location: 5q13.3.
Variant type: single nucleotide variant.
Coding change: c.830G>A on transcript NM_032380.5 (MANE Select); coding-DNA position 830, G replaced by A.
Protein change: p.Arg277Lys; replaces arginine 277 with lysine.
Molecular consequence: missense variant. On other transcripts: non-coding transcript variant (1).
Genome position (GRCh38, 1-based): chr5:74,745,697, C>T on the plus strand (G>A on the coding strand, the complement: GFM2 is on the minus strand). VCF-style: chr5-74745697-C-T. GRCh37 (hg19) VCF-style: chr5-74041522-C-T.
Other names: c.926G>A, p.Arg309Lys (NM_001281302.2); c.830G>A, p.Arg277Lys (NM_170681.3, NM_170691.3); short protein forms R277K, R309K.
Identifiers: ClinVar variation 2744776 (VCV002744776.3), dbSNP rs771161706, ClinGen allele CA360081721.

ClinVar aggregate classification (germline): Uncertain significance (1 of 4 stars; one submission).

Submission:

Labcorp Genetics (formerly Invitae), Labcorp
Classification: Uncertain significance. Last evaluated: 2023-09-07. Review status: criteria provided, single submitter. Criteria: Invitae Variant Classification Sherloc (09022015). Collection method: clinical testing. Allele origin: germline.
Comment: In summary, the available evidence is currently insufficient to determine the role of this variant in disease. Therefore, it has been classified as a Variant of Uncertain Significance. Advanced modeling of protein sequence and biophysical properties (such as structural, functional, and spatial information, amino acid conservation, physicochemical variation, residue mobility, and thermodynamic stability) has been performed at Invitae for this missense variant, however the output from this modeling did not meet the statistical confidence thresholds required to predict the impact of this variant on GFM2 protein function. This variant has not been reported in the literature in individuals affected with GFM2-related conditions. This variant is not present in population databases (gnomAD no frequency). This sequence change replaces arginine, which is basic and polar, with lysine, which is basic and polar, at codon 277 of the GFM2 protein (p.Arg277Lys).